The following is an entry in ClinVar:

NM_003673.4(TCAP):c.425_426del (p.Pro142fs)

Gene: TCAP (titin-cap; plus strand). Cytogenetic location: 17q12.
Variant type: Deletion.
Coding change: c.425_426del on transcript NM_003673.4 (MANE Select); coding-DNA positions 425 to 426, 2 bases deleted (CT; older notation c.425_426delCT).
Protein change: p.Pro142fs; shifts the reading frame from proline 142.
Molecular consequence: frameshift variant.
Genome position (GRCh38, 1-based): chr17:39,666,030-39,666,031, CT deleted. VCF-style (leftmost placement, unchanged base first): chr17-39666029-CCT-C. GRCh37 (hg19) VCF-style: chr17-37822282-CCT-C.
Other names: short protein forms P142fs.
Identifiers: ClinVar variation 1521328 (VCV001521328.6), dbSNP rs2145074542, ClinGen allele CA2573153710.

ClinVar aggregate classification (germline): Uncertain significance (1 of 4 stars; one submission).

Conditions:
Hypertrophic cardiomyopathy 25 (CMH25). Also called: CARDIOMYOPATHY, FAMILIAL HYPERTROPHIC, 25. Identifiers: MedGen C4225408, MONDO:0011843, OMIM 607487.
Primary familial hypertrophic cardiomyopathy (HCM). Identifiers: Orphanet 99739, MedGen C0949658, MeSH D024741, MONDO:0024573. Inheritance: Various modes of inheritance.

Submission:

Labcorp Genetics (formerly Invitae), Labcorp
Classification: Uncertain significance for Hypertrophic cardiomyopathy 25; Primary familial hypertrophic cardiomyopathy. Last evaluated: 2024-10-24. Review status: criteria provided, single submitter. Criteria: Invitae Variant Classification Sherloc (09022015). Collection method: clinical testing. Allele origin: germline.
Comment: This sequence change results in a frameshift in the TCAP gene (p.Pro142Argfs*66). While this is not anticipated to result in nonsense mediated decay, it is expected to disrupt the last 26 amino acid(s) of the TCAP protein and extend the protein by 39 additional amino acid residues. This variant is not present in population databases (gnomAD no frequency). This variant has not been reported in the literature in individuals affected with TCAP-related conditions. ClinVar contains an entry for this variant (Variation ID: 1521328). Experimental studies and prediction algorithms are not available or were not evaluated, and the functional significance of this variant is currently unknown. In summary, the available evidence is currently insufficient to determine the role of this variant in disease. Therefore, it has been classified as a Variant of Uncertain Significance.